The following is an entry in ClinVar:

NM_170707.4(LMNA):c.998C>G (p.Thr333Ser)

Gene: LMNA (lamin A/C; plus strand). Cytogenetic location: 1q22.
Variant type: single nucleotide variant.
Coding change: c.998C>G on transcript NM_170707.4 (MANE Select); coding-DNA position 998, C replaced by G.
Protein change: p.Thr333Ser; replaces threonine 333 with serine.
Molecular consequence: missense variant.
Genome position (GRCh38, 1-based): chr1:156,135,962, C>G. VCF-style: chr1-156135962-C-G. GRCh37 (hg19) VCF-style: chr1-156105753-C-G.
Other names: c.998C>G, p.Thr333Ser (NM_001282626.2, NM_005572.4, NM_170708.4 and 1 more transcripts); c.662C>G, p.Thr221Ser (NM_001257374.3); c.755C>G, p.Thr252Ser (NM_001282624.2); short protein forms T333S, T221S, T252S.
Identifiers: ClinVar variation 426368 (VCV000426368.2), dbSNP rs763069566, ClinGen allele CA342820169.
Genomic context (GRCh38, chr1:156,135,962, plus strand): 5'-TGGCAGCCAAGGAGGCGAAGCTTCGAGACCTGGAGGACTCACTGGCCCGTGAGCGGGACA[C>G]CAGCCGGCGGCTGCTGGCGGAAAAGGAGCGGGAGATGGCCGAGATGCGGGCAAGGATGCA-3'
Protein context (NP_733821.1, residues 323-343): LEDSLARERD[Thr333Ser]SRRLLAEKER

ClinVar aggregate classification (germline): Uncertain significance (1 of 4 stars; one submission).

Submission:

GeneDx
Classification: Uncertain significance. Last evaluated: 2017-04-19. Review status: criteria provided, single submitter. Criteria: GeneDx Variant Classification (06012015). Collection method: clinical testing. Allele origin: germline. Affected: yes.
Comment: The T333S variant has not been published as pathogenic or been reported as benign to our knowledge. It is not observed in large population cohorts (Lek et al., 2016; 1000 Genomes Consortium et al., 2015; Exome Variant Server). This substitution occurs in the alpha-helical rod domain at a position that is conserved in mammals. Nonetheless, the T333S variant is a conservative amino acid substitution, which is not likely to impact secondary protein structure as these residues share similar properties. Finally, in silico analysis is inconsistent in its predictions as to whether or not the variant is damaging to the protein structure/function.